The following is an entry in ClinVar:

ClinVar aggregate classification (germline): Uncertain significance (1 of 4 stars; one submission).

Conditions:
Hereditary cancer-predisposing syndrome. Also called: Neoplastic Syndromes, Hereditary; Tumor predisposition; Hereditary Cancer Syndrome; Hereditary neoplastic syndrome. Identifiers: Orphanet 140162, MedGen C0027672, MeSH D009386, MONDO:0015356.

Submission:

Ambry Genetics
Classification: Uncertain significance for Hereditary cancer-predisposing syndrome. Last evaluated: 2026-03-02. Review status: criteria provided, single submitter. Criteria: Ambry Variant Classification Scheme 2023. Collection method: clinical testing. Allele origin: germline.
Comment: The p.S436P variant (also known as c.1306T>C), located in coding exon 4 of the BARD1 gene, results from a T to C substitution at nucleotide position 1306. The serine at codon 436 is replaced by proline, an amino acid with similar properties. This amino acid position is conserved. In addition, the in silico prediction for this alteration is inconclusive. Based on the available evidence, the clinical significance of this variant remains unclear.

NM_000465.4(BARD1):c.1306T>C (p.Ser436Pro)

Gene: BARD1 (BRCA1 associated RING domain 1; minus strand). Cytogenetic location: 2q35.
Variant type: single nucleotide variant.
Coding change: c.1306T>C on transcript NM_000465.4 (MANE Select); coding-DNA position 1306, T replaced by C.
Protein change: p.Ser436Pro; replaces serine 436 with proline.
Molecular consequence: missense variant. On other transcripts: non-coding transcript variant (2), intron variant (3).
Genome position (GRCh38, 1-based): chr2:214,780,568, A>G on the plus strand (T>C on the coding strand, the complement: BARD1 is on the minus strand). VCF-style: chr2-214780568-A-G. GRCh37 (hg19) VCF-style: chr2-215645292-A-G.
Other names: c.1249T>C, p.Ser417Pro (NM_001282543.2); c.159-28013T>C (NM_001282548.2); c.215+16493T>C (NM_001282545.2); c.364+11729T>C (NM_001282549.2); short protein forms S417P, S436P.
Identifiers: ClinVar variation 4826590 (VCV004826590.1).